The following is an entry in ClinVar:

NC_000023.10:g.(?_32407608)_(32717420_?)dup

Gene: DMD (dystrophin; minus strand). Cytogenetic location: Xp21.1.
Variant type: Duplication.
Identifiers: ClinVar variation 2424996 (VCV002424996.2).

ClinVar aggregate classification (germline): Likely pathogenic (1 of 4 stars; one submission).

Conditions:
Duchenne muscular dystrophy (DMD). Also called: Duchenne Muscular Dystrophy (DMD); MUSCULAR DYSTROPHY, PSEUDOHYPERTROPHIC PROGRESSIVE, DUCHENNE TYPE. Identifiers: Orphanet 98896, MedGen C0013264, MONDO:0010679, OMIM 310200.

Submission:

Labcorp Genetics (formerly Invitae), Labcorp
Classification: Likely pathogenic for Duchenne muscular dystrophy. Last evaluated: 2022-03-29. Review status: criteria provided, single submitter. Criteria: Invitae Variant Classification Sherloc (09022015). Collection method: clinical testing. Allele origin: germline.
Comment: In summary, the currently available evidence indicates that the variant is pathogenic, but additional data are needed to prove that conclusively. Therefore, this variant has been classified as Likely Pathogenic. A similar copy number variant has been observed in individual(s) with Duchenne muscular dystrophy and/or dystrophinopathy (PMID: 21515508, 33238405). This variant results in a copy number gain of the genomic region encompassing exon(s) 8-32 of the DMD gene. While the exact position of this variant cannot be determined from the data, sub-genic copy number gains are generally in tandem (PMID: 25640679). This variant is predicted to be out-of-frame, and may result in an absent or disrupted protein product. Loss-of-function variants in DMD are known to be pathogenic (PMID: 16770791, 25007885).

Literature cited by the submitters: PubMed 21515508; PubMed 33238405; PubMed 25640679; PubMed 16770791; PubMed 25007885.